The following is an entry in ClinVar:

ClinVar aggregate classification (germline): Pathogenic (1 of 4 stars; one submission).

Conditions:
Waardenburg syndrome type 1 (WS1). Also called: WAARDENBURG SYNDROME WITH DYSTOPIA CANTHORUM; Waardenburg Syndrome Type I. Identifiers: Orphanet 894, MedGen C1847800, MONDO:0008670, OMIM 193500.

Allele frequency attached by ClinVar (database versions not stated): gnomAD exomes below 0.00001.
gnomAD v4.1: 1 of 1,614,190 alleles (0.000062%); highest among the groups gnomAD compares: Non-Finnish European, 0.000085%; no homozygotes.

Submission:

Laboratory of Molecular, Cellular and Translation Genetics in Otolaryngology/ Lim32-hcfmusp, University of Sao Paulo School of Medicine Clinics Hospital
Classification: Pathogenic for Waardenburg syndrome type 1. Review status: criteria provided, single submitter. Criteria: ClinGen HL ACMG Specifications v1. Collection method: research. Allele origin: germline. Inheritance: Autosomal dominant inheritance. Affected: yes. Observed: 2 variant alleles, 2 heterozygotes. Clinical features observed: Heterochromia iridis (HP:0001100), Telecanthus (HP:0000506), Abnormality of hair pigmentation (HP:0009887), Synophrys (HP:0000664), Abnormal facial shape (HP:0001999). Segregation with disease observed.

Literature cited by the submitters: PubMed 34599368.

NM_181458.4(PAX3):c.586+2T>A

Gene: PAX3 (paired box 3; minus strand). Cytogenetic location: 2q36.1.
Variant type: single nucleotide variant.
Coding change: c.586+2T>A on transcript NM_181458.4 (MANE Select); the canonical splice donor site of the intron after coding-DNA position 586, T replaced by A.
Molecular consequence: splice donor variant. On other transcripts: synonymous variant (1).
Genome position (GRCh38, 1-based): chr2:222,294,165, A>T on the plus strand (T>A on the coding strand, the complement: PAX3 is on the minus strand). VCF-style: chr2-222294165-A-T. GRCh37 (hg19) VCF-style: chr2-223158884-A-T.
Other names: c.588T>A, p.Gly196= (NM_000438.6); c.583+2T>A (NM_001127366.3); c.586+2T>A (NM_181460.4, NM_181461.4, NM_181459.4 and 2 more transcripts).
Identifiers: ClinVar variation 1202632 (VCV001202632.1), dbSNP rs2106196576, ClinGen allele CA351112455.